The following is an entry in ClinVar:

NM_031935.3(HMCN1):c.5546T>A (p.Ile1849Lys)

Gene: HMCN1 (hemicentin 1; plus strand). Cytogenetic location: 1q31.1.
Variant type: single nucleotide variant.
Coding change: c.5546T>A on transcript NM_031935.3 (MANE Select); coding-DNA position 5546, T replaced by A.
Protein change: p.Ile1849Lys; replaces isoleucine 1849 with lysine.
Molecular consequence: missense variant.
Genome position (GRCh38, 1-based): chr1:186,019,616, T>A. VCF-style: chr1-186019616-T-A. GRCh37 (hg19) VCF-style: chr1-185988748-T-A.
Other names: c.5546T>A (NM_031935.2); short protein forms I1849K.
Identifiers: ClinVar variation 1433741 (VCV001433741.7), dbSNP rs756344375, ClinGen allele CA1292293.

ClinVar aggregate classification (germline): Uncertain significance. Review status: criteria provided, multiple submitters, no conflicts (2 of 4 stars). 3 submissions from 3 submitters: Uncertain significance (3). Last evaluated 2023-11-27.

Conditions:
Age related macular degeneration 1 (ARMD1). Also called: MACULOPATHY, AGE-RELATED, 1. Identifiers: MedGen C1864205, MONDO:0011285, OMIM 603075.

Allele frequency attached by ClinVar (database versions not stated): TOPMed 0.00003.
gnomAD v4.1: 17 of 1,610,718 alleles (0.0011%); highest among the groups gnomAD compares: Admixed American, 0.028%; no homozygotes.

Submissions (3):

Labcorp Genetics (formerly Invitae), Labcorp
Classification: Uncertain significance. Last evaluated: 2023-11-27. Review status: criteria provided, single submitter. Criteria: Invitae Variant Classification Sherloc (09022015). Collection method: clinical testing. Allele origin: germline.
Comment: This sequence change replaces isoleucine, which is neutral and non-polar, with lysine, which is basic and polar, at codon 1849 of the HMCN1 protein (p.Ile1849Lys). This variant is present in population databases (rs756344375, gnomAD 0.05%), and has an allele count higher than expected for a pathogenic variant. This variant has not been reported in the literature in individuals affected with HMCN1-related conditions. ClinVar contains an entry for this variant (Variation ID: 1433741). An algorithm developed to predict the effect of missense changes on protein structure and function (PolyPhen-2) suggests that this variant is likely to be disruptive. In summary, the available evidence is currently insufficient to determine the role of this variant in disease. Therefore, it has been classified as a Variant of Uncertain Significance.

Genome-Nilou Lab
Classification: Uncertain significance for Age related macular degeneration 1. Last evaluated: 2023-04-11. Review status: criteria provided, single submitter. Criteria: ACMG Guidelines, 2015. Collection method: clinical testing. Allele origin: germline. Affected: no.

Ambry Genetics
Classification: Uncertain significance. Last evaluated: 2022-08-08. Review status: criteria provided, single submitter. Criteria: Ambry Variant Classification Scheme 2023. Collection method: clinical testing. Allele origin: germline.